The following is an entry in ClinVar:

NM_005591.4(MRE11):c.493A>T (p.Ser165Cys)

Gene: MRE11 (MRE11 double strand break repair nuclease; minus strand). Cytogenetic location: 11q21.
Variant type: single nucleotide variant.
Coding change: c.493A>T on transcript NM_005591.4 (MANE Select); coding-DNA position 493, A replaced by T.
Protein change: p.Ser165Cys; replaces serine 165 with cysteine.
Molecular consequence: missense variant.
Genome position (GRCh38, 1-based): chr11:94,478,786, T>A on the plus strand (A>T on the coding strand, the complement: MRE11 is on the minus strand). VCF-style: chr11-94478786-T-A. GRCh37 (hg19) VCF-style: chr11-94211952-T-A.
Other names: c.493A>T, p.Ser165Cys (NM_001330347.2, NM_005590.4); short protein forms S165C.
Identifiers: ClinVar variation 584532 (VCV000584532.6), dbSNP rs763298588, ClinGen allele CA382377426.
Genomic context (GRCh38, chr11:94,478,786, plus strand): 5'-CTGTCTTACCTAAACCATATAGCGCAATCTTTGTGCTTCCTTTTTGAAGCAAAACCGGAC[T>A]AATGTCTATCTTCTCCACAGACATTGAACGTCCAAAGTGATTTACAAATCCAGCACAACT-3'
Protein context (NP_005582.1, residues 155-175): RSMSVEKIDI[Ser165Cys]PVLLQKGSTK

ClinVar aggregate classification (germline): Uncertain significance. Review status: criteria provided, multiple submitters, no conflicts (2 of 4 stars). 3 submissions from 3 submitters: Uncertain significance (3). Last evaluated 2024-03-12.

Conditions:
Hereditary cancer-predisposing syndrome. Also called: Hereditary neoplastic syndrome; Neoplastic Syndromes, Hereditary; Hereditary Cancer Syndrome; Tumor predisposition. Identifiers: Orphanet 140162, MedGen C0027672, MeSH D009386, MONDO:0015356.

Allele frequency attached by ClinVar (database versions not stated): TOPMed below 0.00001; gnomAD 0.00001.
gnomAD v4.1: 4 of 1,613,582 alleles (0.00025%); highest among the groups gnomAD compares: Non-Finnish European, 0.00034%; no homozygotes.

Submissions (3):

Ambry Genetics
Classification: Uncertain significance for Hereditary cancer-predisposing syndrome. Last evaluated: 2024-03-12. Review status: criteria provided, single submitter. Criteria: Ambry Variant Classification Scheme 2023. Collection method: clinical testing. Allele origin: germline.
Comment: The p.S165C variant (also known as c.493A>T), located in coding exon 5 of the MRE11A gene, results from an A to T substitution at nucleotide position 493. The serine at codon 165 is replaced by cysteine, an amino acid with dissimilar properties. This alteration has been reported in 1/1197 individuals from Greece, Romania, and Turkey undergoing evaluation for inherited cancer predisposition (Tsaousis GN et al. BMC Cancer, 2019 Jun;19:535). This amino acid position is highly conserved in available vertebrate species. In addition, this alteration is predicted to be deleterious by in silico analysis. Since supporting evidence is limited at this time, the clinical significance of this alteration remains unclear.

Blueprint Genetics
Classification: Uncertain significance. Last evaluated: 2023-09-14. Review status: criteria provided, single submitter. Criteria: ACMG Guidelines, 2015. Collection method: clinical testing. Allele origin: germline.

GeneKor MSA
Classification: Uncertain significance for Hereditary cancer-predisposing syndrome. Last evaluated: 2018-08-01. Review status: criteria provided, single submitter. Criteria: ACMG Guidelines, 2015. Collection method: clinical testing. Allele origin: germline. Affected: yes.

Literature cited by the submitters: PubMed 31159747 (cited by Ambry Genetics); PubMed 33471991 (cited by Ambry Genetics).